The following is an entry in ClinVar:

NM_018896.5(CACNA1G):c.6398A>C (p.Gln2133Pro)

Gene: CACNA1G (calcium voltage-gated channel subunit alpha1 G; plus strand). Cytogenetic location: 17q21.33.
Variant type: single nucleotide variant.
Coding change: c.6398A>C on transcript NM_018896.5 (MANE Select); coding-DNA position 6398, A replaced by C.
Protein change: p.Gln2133Pro; replaces glutamine 2133 with proline.
Molecular consequence: missense variant. On other transcripts: non-coding transcript variant (5).
Genome position (GRCh38, 1-based): chr17:50,624,528, A>C. VCF-style: chr17-50624528-A-C. GRCh37 (hg19) VCF-style: chr17-48701889-A-C.
Other names: c.6209A>C, p.Gln2070Pro (NM_001256324.2); c.6140A>C, p.Gln2047Pro (NM_001256325.2); c.6128A>C, p.Gln2043Pro (NM_001256326.2); c.6098A>C, p.Gln2033Pro (NM_001256327.2); c.6044A>C, p.Gln2015Pro (NM_001256328.2); c.6017A>C, p.Gln2006Pro (NM_001256329.2, NM_198376.3, NM_198387.3); c.5984A>C, p.Gln1995Pro (NM_001256330.2); c.5963A>C, p.Gln1988Pro (NM_001256331.2); and 15 more; short protein forms Q1983P, Q1988P, Q1995P, Q1999P, Q2002P, Q2004P, Q2006P, Q2013P.
Identifiers: ClinVar variation 1313036 (VCV001313036.3), dbSNP rs2146476959, ClinGen allele CA400270669.
Genomic context (GRCh38, chr17:50,624,528, plus strand): 5'-CCATCCCCAAACTGCCCCCACCAGGACGCTCCCCTTTGGCTCAGAGGCCACTCAGGCGCC[A>C]GGTGAGCAGATGTGGAAAGGCAGGCACAGGCCTGGGGGCTGGACCCTCTGCTGCTGGTGA-3'
Protein context (NP_061496.2, residues 2123-2143): SPLAQRPLRR[Gln2133Pro]AAIRTDSLDV

ClinVar aggregate classification (germline): Uncertain significance (1 of 4 stars; one submission).

Submission:

GeneDx
Classification: Uncertain significance. Last evaluated: 2025-07-15. Review status: criteria provided, single submitter. Criteria: GeneDx Variant Classification Process June 2021. Collection method: clinical testing. Allele origin: germline. Affected: yes.
Comment: Not observed at significant frequency in large population cohorts (gnomAD); In silico analysis supports that this missense variant has a deleterious effect on protein structure/function; Has not been previously published as pathogenic or benign to our knowledge